The following is an entry in ClinVar:

ClinVar aggregate classification (germline): Benign/Likely benign. Review status: criteria provided, multiple submitters, no conflicts (2 of 4 stars). 4 submissions from 4 submitters: Benign (1); Likely benign (2). 1 of the submissions does not count toward it. Last evaluated 2026-01-19.

Conditions:
PHKA2-related disorder. Also called: PHKA2-related condition.
Glycogen storage disease IXa1. Also called: LIVER GLYCOGENOSIS, X-LINKED, TYPE I; GLYCOGEN STORAGE DISEASE VIII; GSD VIII; Glycogen storage disease 8. Identifiers: Orphanet 264580, MedGen C3694531, MONDO:0010598, OMIM 306000.

Allele frequency attached by ClinVar (database versions not stated): ExAC 0.00055; TOPMed 0.00061; gnomAD 0.00115; ESP Exome Variant Server 0.00123.
gnomAD v4.1: 922 of 1,194,858 alleles (0.077%); highest among the groups gnomAD compares: Non-Finnish European, 0.099%; 1 homozygote.

Submissions (4):

Labcorp Genetics (formerly Invitae), Labcorp
Classification: Benign for Glycogen storage disease IXa1. Last evaluated: 2026-01-19. Review status: criteria provided, single submitter. Criteria: Invitae Variant Classification Sherloc (09022015). Collection method: clinical testing. Allele origin: germline.

Blueprint Genetics
Classification: Likely benign. Last evaluated: 2024-10-21. Review status: criteria provided, single submitter. Criteria: ACMG Guidelines, 2015. Collection method: clinical testing. Allele origin: germline.

GeneDx
Classification: Likely benign. Last evaluated: 2016-01-27. Review status: criteria provided, single submitter. Criteria: GeneDx Variant Classification (06012015). Collection method: clinical testing. Allele origin: germline. Affected: yes.
Comment: This variant is considered likely benign or benign based on one or more of the following criteria: it is a conservative change, it occurs at a poorly conserved position in the protein, it is predicted to be benign by multiple in silico algorithms, and/or has population frequency not consistent with disease.

PreventionGenetics, part of Exact Sciences
Classification: Likely benign for PHKA2-related condition. Last evaluated: 2021-10-01. Review status: no assertion criteria provided. Collection method: clinical testing. Allele origin: germline. Not counted in ClinVar's aggregate classification.
Comment: This variant is classified as likely benign based on ACMG/AMP sequence variant interpretation guidelines (Richards et al. 2015 PMID: 25741868, with internal and published modifications).

NM_000292.3(PHKA2):c.2568G>T (p.Pro856=)

Gene: PHKA2 (phosphorylase kinase regulatory subunit alpha 2; minus strand). Cytogenetic location: Xp22.13.
Variant type: single nucleotide variant.
Coding change: c.2568G>T on transcript NM_000292.3 (MANE Select); coding-DNA position 2568, G replaced by T.
Protein change: p.Pro856=; no amino-acid change (proline 856 retained).
Molecular consequence: synonymous variant.
Genome position (GRCh38, 1-based): chrX:18,907,047, C>A on the plus strand (G>T on the coding strand, the complement: PHKA2 is on the minus strand). VCF-style: chrX-18907047-C-A. GRCh37 (hg19) VCF-style: chrX-18925165-C-A.
Identifiers: ClinVar variation 382088 (VCV000382088.11), dbSNP rs141034910, ClinGen allele CA10361599.
Genomic context (GRCh38, chrX:18,907,047, plus strand): 5'-AAACCTGAGGTCCCCAAGGCTGAGGACTTACGCAGAGATGATCTTCTCCCGGGGCTCGGG[C>A]GGCAGGCCCACGGTGAGCTGCTTCTGGTGCGAAAGCAGGTCTGTGCAGGCCTGCGCAGTT-3'
Protein context (NP_000283.1, residues 846-866): SHQKQLTVGL[Pro856=]PEPREKIISA